The following is an entry in ClinVar:

NM_000492.4(CFTR):c.3800T>A (p.Ile1267Asn)

Genes: CFTR-AS2 (CFTR antisense RNA 2; minus strand), CFTR (CF transmembrane conductance regulator; plus strand). Cytogenetic location: 7q31.2.
Variant type: single nucleotide variant.
Coding change: c.3800T>A on transcript NM_000492.4 (MANE Select); coding-DNA position 3800, T replaced by A.
Protein change: p.Ile1267Asn; replaces isoleucine 1267 with asparagine.
Molecular consequence: missense variant.
Genome position (GRCh38, 1-based): chr7:117,642,520, T>A. VCF-style: chr7-117642520-T-A. GRCh37 (hg19) VCF-style: chr7-117282574-T-A.
Other names: short protein forms I1267N.
Identifiers: ClinVar variation 1735067 (VCV001735067.2), dbSNP rs2485159977, ClinGen allele CA368975016.

ClinVar aggregate classification (germline): Uncertain significance (1 of 4 stars; one submission).

Conditions:
Cystic fibrosis (CF). Also called: MUCOVISCIDOSIS. Identifiers: Orphanet 586, MedGen C0010674, MONDO:0009061, OMIM 219700. Disease mechanism: loss of function.

Submission:

Ambry Genetics
Classification: Uncertain significance for Cystic fibrosis. Last evaluated: 2022-04-03. Review status: criteria provided, single submitter. Criteria: Ambry Variant Classification Scheme 2023. Collection method: clinical testing. Allele origin: germline.
Comment: The p.I1267N variant (also known as c.3800T>A), located in coding exon 23 of the CFTR gene, results from a T to A substitution at nucleotide position 3800. The isoleucine at codon 1267 is replaced by asparagine, an amino acid with dissimilar properties. This amino acid position is conserved. In addition, this alteration is predicted to be deleterious by in silico analysis. Since supporting evidence is limited at this time, the clinical significance of this alteration remains unclear.